The following is an entry in ClinVar:

ClinVar aggregate classification (germline): Uncertain significance. Review status: criteria provided, multiple submitters, no conflicts (2 of 4 stars). 7 submissions from 6 submitters: Uncertain significance (7). Last evaluated 2026-01-12.

Conditions:
Cardiovascular phenotype. Identifiers: MedGen CN230736.
Hypertrophic cardiomyopathy. Also called: HYPERTROPHIC MYOCARDIOPATHY. Identifiers: Orphanet 217569, MedGen C0007194, MeSH D002312, MONDO:0005045, HP:0001639.
Cardiomyopathy (CMYO). Also called: Cardiomyopathies. Identifiers: Orphanet 167848, MedGen C0878544, MONDO:0004994, HP:0001638. Inheritance: Various modes of inheritance.
Lethal congenital glycogen storage disease of heart. Also called: GLYCOGEN STORAGE DISEASE OF HEART; PHOSPHORYLASE KINASE DEFICIENCY OF HEART. Identifiers: Orphanet 439854, MedGen C1849813, MONDO:0009867, OMIM 261740.
Wolff-Parkinson-White pattern. Also called: Auriculoventricular accessory pathway syndrome; False bundle branch block syndrome; Anomalous ventricular excitation syndrome; WPW SYNDROME. Identifiers: MedGen C0043202, MONDO:0008685, OMIM 194200, HP:0001716.
Left ventricular hypertrophy. Identifiers: MedGen C0149721, HP:0001712.
Webbed neck. Also called: webbing of neck. Identifiers: MedGen C0221217, HP:0000465.
Coronary artery disorder. Also called: Coronary artery disease; Disorder of coronary artery. Identifiers: MedGen C1956346, MeSH D003324, MONDO:0005010.
Ventricular tachycardia. Identifiers: MedGen C0042514, MONDO:0005477, HP:0004756.
Hypertensive disorder. Also called: Hypertension. Identifiers: MedGen C0020538, MONDO:0005044, HP:0000822.
Stroke disorder. Also called: Stroke. Identifiers: MedGen C0038454, MeSH D020521, MONDO:0005098, HP:0001297.

Allele frequency attached by ClinVar (database versions not stated): ESP Exome Variant Server 0.00008.
gnomAD v4.1: 14 of 1,614,210 alleles (0.00087%); highest among the groups gnomAD compares: Non-Finnish European, 0.0012%; no homozygotes.

Submissions (7):

Labcorp Genetics (formerly Invitae), Labcorp
Classification: Uncertain significance for Lethal congenital glycogen storage disease of heart. Last evaluated: 2026-01-12. Review status: criteria provided, single submitter. Criteria: Invitae Variant Classification Sherloc (09022015). Collection method: clinical testing. Allele origin: germline.
Comment: This sequence change replaces proline, which is neutral and non-polar, with arginine, which is basic and polar, at codon 197 of the PRKAG2 protein (p.Pro197Arg). This variant is present in population databases (rs368637364, gnomAD 0.0009%). This missense change has been observed in individual(s) with clinical features of PRKAG2-related conditions (PMID: 37198425, 37510298). ClinVar contains an entry for this variant (Variation ID: 374128). Invitae Evidence Modeling of protein sequence and biophysical properties (such as structural, functional, and spatial information, amino acid conservation, physicochemical variation, residue mobility, and thermodynamic stability) indicates that this missense variant is not expected to disrupt PRKAG2 protein function with a negative predictive value of 95%. In summary, the available evidence is currently insufficient to determine the role of this variant in disease. Therefore, it has been classified as a Variant of Uncertain Significance.

Ambry Genetics
Classification: Uncertain significance for Cardiovascular phenotype. Last evaluated: 2025-08-08. Review status: criteria provided, single submitter. Criteria: Ambry Variant Classification Scheme 2023. Collection method: clinical testing. Allele origin: germline.
Comment: The p.P197R variant (also known as c.590C>G), located in coding exon 4 of the PRKAG2 gene, results from a C to G substitution at nucleotide position 590. The proline at codon 197 is replaced by arginine, an amino acid with dissimilar properties. This variant was reported in a myopathy cohort in an individual with left ventricular hypertrophy and muscle weakness (Invernizzi F et al. Genes (Basel), 2023 Jul;14:[ePub ahead of print]). This amino acid position is highly conserved in available vertebrate species. In addition, this alteration is predicted to be deleterious by in silico analysis. Based on the available evidence, the clinical significance of this variant remains unclear.

Mayo Clinic Laboratories, Mayo Clinic
Classification: Uncertain significance. Last evaluated: 2025-01-21. Review status: criteria provided, single submitter. Criteria: ACMG Guidelines, 2015. Collection method: clinical testing. Allele origin: germline. Observed: 2 variant alleles.
Comment: BS2

Color Diagnostics, LLC DBA Color Health
Classification: Uncertain significance for Cardiomyopathy. Last evaluated: 2024-07-03. Review status: criteria provided, single submitter. Criteria: ACMG Guidelines, 2015. Collection method: clinical testing. Allele origin: germline.
Comment: This missense variant replaces proline with arginine at codon 197 of the PRKAG2 protein. Computational prediction tools indicate that this variant's impact on protein structure and function is inconclusive. To our knowledge, functional studies have not been reported for this variant. This variant has been reported in an individual affected with dilated cardiomyopathy (PMID: 37198425). This variant has been identified in 1/251454 chromosomes in the general population by the Genome Aggregation Database (gnomAD). The available evidence is insufficient to determine the role of this variant in disease conclusively. Therefore, this variant is classified as a Variant of Uncertain Significance.

All of Us Research Program, National Institutes of Health
Classification: Uncertain significance for Hypertrophic cardiomyopathy. Last evaluated: 2023-06-28. Review status: criteria provided, single submitter. Criteria: ACMG Guidelines, 2015. Collection method: clinical testing. Allele origin: germline. Inheritance: Autosomal dominant inheritance. Observed: 1 variant allele, 1 heterozygote.
Comment: This study involves interpretation of variants in research participants for the purpose of population health screening. Participant phenotype was not available at the time of variant classification. Additional details can be found in publication PMID: 35346344, PMCID: PMC8962531

Centre for Mendelian Genomics, University Medical Centre Ljubljana
Classification: Uncertain significance for Wolff-Parkinson-White pattern. Last evaluated: 2016-01-01. Review status: criteria provided, single submitter. Criteria: ACMG Guidelines, 2015. Collection method: clinical testing. Allele origin: unknown. Affected: yes.
Comment: This variant was classified as: Uncertain significance. The following ACMG criteria were applied in classifying this variant: PP3.

Centre for Mendelian Genomics, University Medical Centre Ljubljana
Classification: Uncertain significance for Coronary artery atherosclerosis; Hypertensive disorder; Left ventricular hypertrophy; Stroke disorder; Ventricular tachycardia; Webbed neck. Last evaluated: 2014-09-05. Review status: criteria provided, single submitter. Criteria: ACMG Guidelines, 2015. Collection method: clinical testing. Allele origin: unknown. Affected: yes.

Literature cited by the submitters: PubMed 37198425 (cited by Labcorp Genetics (formerly Invitae), Labcorp and Color Diagnostics, LLC DBA Color Health); PubMed 37510298 (cited by 3 submitters).

NM_016203.4(PRKAG2):c.590C>G (p.Pro197Arg)

Gene: PRKAG2 (protein kinase AMP-activated non-catalytic subunit gamma 2; minus strand). Cytogenetic location: 7q36.1.
Variant type: single nucleotide variant.
Coding change: c.590C>G on transcript NM_016203.4 (MANE Select); coding-DNA position 590, C replaced by G.
Protein change: p.Pro197Arg; replaces proline 197 with arginine.
Molecular consequence: missense variant.
Genome position (GRCh38, 1-based): chr7:151,675,514, G>C on the plus strand (C>G on the coding strand, the complement: PRKAG2 is on the minus strand). VCF-style: chr7-151675514-G-C. GRCh37 (hg19) VCF-style: chr7-151372600-G-C.
Other names: c.458C>G, p.Pro153Arg (NM_001040633.2); c.218C>G, p.Pro73Arg (NM_001304527.2, NM_001363698.2); short protein forms P197R, P153R, P73R.
Identifiers: ClinVar variation 374128 (VCV000374128.20), dbSNP rs368637364, ClinGen allele CA16043427.